The following is an entry in ClinVar:

NM_198525.3(KIF7):c.62G>C (p.Arg21Pro)

Gene: KIF7 (kinesin family member 7; minus strand). Cytogenetic location: 15q26.1.
Variant type: single nucleotide variant.
Coding change: c.62G>C on transcript NM_198525.3 (MANE Select); coding-DNA position 62, G replaced by C.
Protein change: p.Arg21Pro; replaces arginine 21 with proline.
Molecular consequence: missense variant.
Genome position (GRCh38, 1-based): chr15:89,652,869, C>G on the plus strand (G>C on the coding strand, the complement: KIF7 is on the minus strand). VCF-style: chr15-89652869-C-G. GRCh37 (hg19) VCF-style: chr15-90196100-C-G.
Other names: short protein forms R21P.
Identifiers: ClinVar variation 1356919 (VCV001356919.8), dbSNP rs935846747, ClinGen allele CA393780973.

ClinVar aggregate classification (germline): Uncertain significance (1 of 4 stars; one submission).

Conditions:
Acrocallosal syndrome (ACLS). Also called: HALLUX DUPLICATION, POSTAXIAL POLYDACTYLY, AND ABSENCE OF CORPUS CALLOSUM; Schinzel syndrome 1; Absence of corpus callosum with unusual facial appearance, mental deficiency, duplication of the halluces and polydactyly. Identifiers: Orphanet 36, MedGen C0796147, MONDO:0008708, OMIM 200990.

gnomAD v4.1: 6 of 1,545,748 alleles (0.00039%); highest among the groups gnomAD compares: Non-Finnish European, 0.00052%; no homozygotes.

Submission:

Labcorp Genetics (formerly Invitae), Labcorp
Classification: Uncertain significance for Acrocallosal syndrome. Last evaluated: 2022-03-10. Review status: criteria provided, single submitter. Criteria: Invitae Variant Classification Sherloc (09022015). Collection method: clinical testing. Allele origin: germline.
Comment: In summary, the available evidence is currently insufficient to determine the role of this variant in disease. Therefore, it has been classified as a Variant of Uncertain Significance. This sequence change replaces arginine, which is basic and polar, with proline, which is neutral and non-polar, at codon 21 of the KIF7 protein (p.Arg21Pro). This variant is not present in population databases (gnomAD no frequency). This variant has not been reported in the literature in individuals affected with KIF7-related conditions. Algorithms developed to predict the effect of missense changes on protein structure and function are either unavailable or do not agree on the potential impact of this missense change (SIFT: "Deleterious"; PolyPhen-2: "Probably Damaging"; Align-GVGD: "Class C0").